The following is an entry in ClinVar:

NM_004655.4(AXIN2):c.467A>G (p.Tyr156Cys)

Gene: AXIN2 (axin 2; minus strand). Cytogenetic location: 17q24.1.
Variant type: single nucleotide variant.
Coding change: c.467A>G on transcript NM_004655.4 (MANE Select); coding-DNA position 467, A replaced by G.
Protein change: p.Tyr156Cys; replaces tyrosine 156 with cysteine.
Molecular consequence: missense variant.
Genome position (GRCh38, 1-based): chr17:65,558,154, T>C on the plus strand (A>G on the coding strand, the complement: AXIN2 is on the minus strand). VCF-style: chr17-65558154-T-C. GRCh37 (hg19) VCF-style: chr17-63554272-T-C.
Other names: c.467A>G (LRG_296t1); c.467A>G, p.Tyr156Cys (NM_001363813.1); short protein forms Y156C.
Identifiers: ClinVar variation 408855 (VCV000408855.18), dbSNP rs1060502159, ClinGen allele CA16615631.

ClinVar aggregate classification (germline): Uncertain significance. Review status: criteria provided, multiple submitters, no conflicts (2 of 4 stars). 4 submissions from 4 submitters: Uncertain significance (4). Last evaluated 2025-07-30.

Conditions:
Hereditary cancer-predisposing syndrome. Also called: Hereditary Cancer Syndrome; Hereditary neoplastic syndrome; Neoplastic Syndromes, Hereditary; Tumor predisposition. Identifiers: Orphanet 140162, MedGen C0027672, MeSH D009386, MONDO:0015356.
Oligodontia-cancer predisposition syndrome. Also called: TOOTH AGENESIS-COLORECTAL CANCER SYNDROME. Identifiers: Orphanet 300576, MedGen C1837750, MONDO:0012075, OMIM 608615. Disease mechanism: loss of function.

Allele frequency attached by ClinVar (database versions not stated): gnomAD exomes below 0.00001; gnomAD 0.00001.
gnomAD v4.1: 8 of 1,614,106 alleles (0.0005%); highest among the groups gnomAD compares: Non-Finnish European, 0.00068%; no homozygotes.

Submissions (4):

Labcorp Genetics (formerly Invitae), Labcorp
Classification: Uncertain significance for Oligodontia-cancer predisposition syndrome. Last evaluated: 2025-07-30. Review status: criteria provided, single submitter. Criteria: Invitae Variant Classification Sherloc (09022015). Collection method: clinical testing. Allele origin: germline.
Comment: This sequence change replaces tyrosine, which is neutral and polar, with cysteine, which is neutral and slightly polar, at codon 156 of the AXIN2 protein (p.Tyr156Cys). This variant is present in population databases (no rsID available, gnomAD 0.0009%). This variant has not been reported in the literature in individuals affected with AXIN2-related conditions. ClinVar contains an entry for this variant (Variation ID: 408855). Invitae Evidence Modeling of protein sequence and biophysical properties (such as structural, functional, and spatial information, amino acid conservation, physicochemical variation, residue mobility, and thermodynamic stability) indicates that this missense variant is not expected to disrupt AXIN2 protein function with a negative predictive value of 80%. In summary, the available evidence is currently insufficient to determine the role of this variant in disease. Therefore, it has been classified as a Variant of Uncertain Significance.

Ambry Genetics
Classification: Uncertain significance for Hereditary cancer-predisposing syndrome. Last evaluated: 2025-05-15. Review status: criteria provided, single submitter. Criteria: Ambry Variant Classification Scheme 2023. Collection method: clinical testing. Allele origin: germline.
Comment: The p.Y156C variant (also known as c.467A>G), located in coding exon 1 of the AXIN2 gene, results from an A to G substitution at nucleotide position 467. The tyrosine at codon 156 is replaced by cysteine, an amino acid with highly dissimilar properties. This amino acid position is not well conserved in available vertebrate species. In addition, this alteration is predicted to be tolerated by in silico analysis. Since supporting evidence is limited at this time, the clinical significance of this alteration remains unclear.

Quest Diagnostics Nichols Institute San Juan Capistrano
Classification: Uncertain significance. Last evaluated: 2025-05-02. Review status: criteria provided, single submitter. Criteria: Quest Diagnostics criteria. Collection method: clinical testing. Allele origin: unknown.
Comment: The AXIN2 c.467A>G (p.Tyr156Cys) variant has not been reported in individuals with AXIN2-related conditions in the published literature. The frequency of this variant in the general population (Genome Aggregation Database) is uninformative in the assessment of its pathogenicity. Analysis of this variant using bioinformatics tools for the prediction of the effect of amino acid changes on protein structure and function yielded conflicting predictions that this variant is benign or damaging. Based on the available information, we are unable to determine the clinical significance of this variant.

GeneDx
Classification: Uncertain significance. Last evaluated: 2023-10-24. Review status: criteria provided, single submitter. Criteria: GeneDx Variant Classification Process June 2021. Collection method: clinical testing. Allele origin: germline. Affected: yes.
Comment: Not observed at significant frequency in large population cohorts (gnomAD); In silico analysis supports that this missense variant has a deleterious effect on protein structure/function; Has not been previously published as pathogenic or benign to our knowledge